The following is an entry in ClinVar:

ClinVar aggregate classification (germline): Uncertain significance. Review status: criteria provided, multiple submitters, no conflicts (2 of 4 stars). 3 submissions from 3 submitters: Uncertain significance (3). Last evaluated 2025-03-01.

Allele frequency attached by ClinVar (database versions not stated): 1000 Genomes Project 30x 0.00031.
gnomAD v4.1: 14 of 1,599,616 alleles (0.00088%); highest among the groups gnomAD compares: East Asian, 0.0045%; no homozygotes.

Submissions (3):

CeGaT Center for Human Genetics Tuebingen
Classification: Uncertain significance. Last evaluated: 2025-03-01. Review status: criteria provided, single submitter. Criteria: CeGaT Center For Human Genetics Tuebingen Variant Classification Criteria Version 2. Collection method: clinical testing. Allele origin: germline. Affected: yes. Observed: 2 variant alleles.
Comment: CDH23: PM2

Blueprint Genetics
Classification: Uncertain significance. Last evaluated: 2024-09-14. Review status: criteria provided, single submitter. Criteria: ACMG Guidelines, 2015. Collection method: clinical testing. Allele origin: germline.

Labcorp Genetics (formerly Invitae), Labcorp
Classification: Uncertain significance. Last evaluated: 2022-05-29. Review status: criteria provided, single submitter. Criteria: Invitae Variant Classification Sherloc (09022015). Collection method: clinical testing. Allele origin: germline.
Comment: This sequence change replaces arginine, which is basic and polar, with cysteine, which is neutral and slightly polar, at codon 256 of the CDH23 protein (p.Arg256Cys). The frequency data for this variant in the population databases is considered unreliable, as metrics indicate poor data quality at this position in the gnomAD database. This variant has not been reported in the literature in individuals affected with CDH23-related conditions. ClinVar contains an entry for this variant (Variation ID: 493074). Algorithms developed to predict the effect of missense changes on protein structure and function are either unavailable or do not agree on the potential impact of this missense change (SIFT: "Deleterious"; PolyPhen-2: "Not Available"; Align-GVGD: "Class C0"). In summary, the available evidence is currently insufficient to determine the role of this variant in disease. Therefore, it has been classified as a Variant of Uncertain Significance.

NM_022124.6(CDH23):c.766C>T (p.Arg256Cys)

Gene: CDH23 (cadherin related 23; plus strand). Cytogenetic location: 10q22.1.
Variant type: single nucleotide variant.
Coding change: c.766C>T on transcript NM_022124.6 (MANE Select); coding-DNA position 766, C replaced by T.
Protein change: p.Arg256Cys; replaces arginine 256 with cysteine.
Molecular consequence: missense variant.
Genome position (GRCh38, 1-based): chr10:71,577,926, C>T. VCF-style: chr10-71577926-C-T. GRCh37 (hg19) VCF-style: chr10-73337683-C-T.
Other names: c.766C>T, p.Arg256Cys (NM_001171930.2, NM_001171931.2, NM_001171932.2 and 1 more transcripts); short protein forms R256C.
Identifiers: ClinVar variation 493074 (VCV000493074.45), dbSNP rs779764465, ClinGen allele CA5543546.